The following is an entry in ClinVar:

NM_030777.4(SLC2A10):c.233T>C (p.Ile78Thr)

Gene: SLC2A10 (solute carrier family 2 member 10; plus strand). Cytogenetic location: 20q13.12.
Variant type: single nucleotide variant.
Coding change: c.233T>C on transcript NM_030777.4 (MANE Select); coding-DNA position 233, T replaced by C.
Protein change: p.Ile78Thr; replaces isoleucine 78 with threonine.
Molecular consequence: missense variant.
Genome position (GRCh38, 1-based): chr20:46,725,269, T>C. VCF-style: chr20-46725269-T-C. GRCh37 (hg19) VCF-style: chr20-45353908-T-C.
Other names: short protein forms I78T.
Identifiers: ClinVar variation 4864600 (VCV004864600.1).

ClinVar aggregate classification (germline): Uncertain significance (1 of 4 stars; one submission).

Conditions:
Familial thoracic aortic aneurysm and aortic dissection (TAAD). Also called: Thoracic aortic aneurysms and dissections. Identifiers: Orphanet 91387, MedGen C4707243, MONDO:0019625.

gnomAD v4.1: 1 of 1,614,180 alleles (0.000062%); highest among the groups gnomAD compares: Non-Finnish European, 0.000085%; no homozygotes.

Submission:

Ambry Genetics
Classification: Uncertain significance for Familial thoracic aortic aneurysm and aortic dissection. Last evaluated: 2026-04-02. Review status: criteria provided, single submitter. Criteria: Ambry Variant Classification Scheme 2023. Collection method: clinical testing. Allele origin: germline.
Comment: The p.I78T variant (also known as c.233T>C), located in coding exon 2 of the SLC2A10 gene, results from a T to C substitution at nucleotide position 233. The isoleucine at codon 78 is replaced by threonine, an amino acid with similar properties. This amino acid position is conserved. In addition, the in silico prediction for this alteration is inconclusive. Based on the available evidence, the clinical significance of this variant remains unclear.